The following is an entry in ClinVar:

ClinVar aggregate classification (germline): Conflicting classifications of pathogenicity. Review status: criteria provided, conflicting classifications (1 of 4 stars). 2 submissions from 2 submitters: Uncertain significance (1); Likely benign (1). Last evaluated 2026-02-26.

Conditions:
Cornelia de Lange syndrome 6 (CDLS6). Identifiers: MedGen C5882712, MONDO:0957921, OMIM 620568.

Allele frequency attached by ClinVar (database versions not stated): gnomAD exomes 0.00001; TOPMed 0.00001; gnomAD 0.00002; 1000 Genomes Project 30x 0.00016.
gnomAD v4.1: 25 of 1,614,128 alleles (0.0015%); highest among the groups gnomAD compares: East Asian, 0.0089%; no homozygotes.

Submissions (2):

Centre for Medical Genetics,  Mumbai
Classification: Likely benign for Cornelia de Lange syndrome 6. Last evaluated: 2026-02-26. Review status: criteria provided, single submitter. Criteria: ACMG Guidelines, 2015. Collection method: provider interpretation. Allele origin: germline. Inheritance: Autosomal dominant inheritance. Affected: no. Observed: 1 variant allele, 1 heterozygote.
Comment: The variant satisfies PM2 criteria; Extremely low frequency in gnomAD population databases. The variant satisfies PP2 criteria; Missense variant in a gene with low rate of benign missense mutations and for which missense mutation is a common mechanism of a disease. The variant satisfies BP4 criteria; For a missense or a splice region variant, computational prediction tools unanimously support a benign effect on the gene. However, the variant satisfies BS2 criteria.

Labcorp Genetics (formerly Invitae), Labcorp
Classification: Uncertain significance. Last evaluated: 2024-07-24. Review status: criteria provided, single submitter. Criteria: Invitae Variant Classification Sherloc (09022015). Collection method: clinical testing. Allele origin: germline.
Comment: This sequence change replaces glycine, which is neutral and non-polar, with arginine, which is basic and polar, at codon 732 of the BRD4 protein (p.Gly732Arg). This variant is present in population databases (no rsID available, gnomAD 0.007%). This variant has not been reported in the literature in individuals affected with BRD4-related conditions. ClinVar contains an entry for this variant (Variation ID: 2418246). Advanced modeling of protein sequence and biophysical properties (such as structural, functional, and spatial information, amino acid conservation, physicochemical variation, residue mobility, and thermodynamic stability) performed at Invitae indicates that this missense variant is not expected to disrupt BRD4 protein function with a negative predictive value of 80%. In summary, the available evidence is currently insufficient to determine the role of this variant in disease. Therefore, it has been classified as a Variant of Uncertain Significance.

Literature cited by the submitters: PubMed 29379197 (cited by Centre for Medical Genetics,  Mumbai).

NM_001379291.1(BRD4):c.2194G>A (p.Gly732Arg)

Gene: BRD4 (bromodomain containing 4; minus strand). Cytogenetic location: 19p13.12.
Variant type: single nucleotide variant.
Coding change: c.2194G>A on transcript NM_001379291.1 (MANE Select); coding-DNA position 2194, G replaced by A.
Protein change: p.Gly732Arg; replaces glycine 732 with arginine.
Molecular consequence: missense variant.
Genome position (GRCh38, 1-based): chr19:15,244,727, C>T on the plus strand (G>A on the coding strand, the complement: BRD4 is on the minus strand). VCF-style: chr19-15244727-C-T. GRCh37 (hg19) VCF-style: chr19-15355538-C-T.
Other names: c.2194G>A, p.Gly732Arg (NM_058243.3); short protein forms G732R.
Identifiers: ClinVar variation 2418246 (VCV002418246.7), dbSNP rs1470260528, ClinGen allele CA404511149.